The following is an entry in ClinVar:

NM_001105247.2(ARMC5):c.398T>C (p.Leu133Pro)

Genes: ARMC5 (armadillo repeat containing 5; plus strand), LOC130058906 (ATAC-STARR-seq lymphoblastoid silent region 7419; plus strand). Cytogenetic location: 16p11.2.
Variant type: single nucleotide variant.
Coding change: c.398T>C on transcript NM_001105247.2 (MANE Select); coding-DNA position 398, T replaced by C.
Protein change: p.Leu133Pro; replaces leucine 133 with proline.
Molecular consequence: missense variant.
Genome position (GRCh38, 1-based): chr16:31,459,922, T>C. VCF-style: chr16-31459922-T-C. GRCh37 (hg19) VCF-style: chr16-31471243-T-C.
Other names: c.683T>C, p.Leu228Pro (NM_001288767.2); c.494T>C, p.Leu165Pro (NM_001301820.1); c.398T>C, p.Leu133Pro (NM_024742.2); short protein forms L133P, L165P, L228P.
Identifiers: ClinVar variation 3348188 (VCV003348188.1).

ClinVar aggregate classification (germline): Uncertain significance (0 of 4 stars; one submission).

Conditions:
ARMC5-related disorder. Also called: ARMC5-related condition.

gnomAD v4.1: 1 of 1,605,934 alleles (0.000062%); highest among the groups gnomAD compares: Non-Finnish European, 0.000085%; no homozygotes.

Submission:

PreventionGenetics, part of Exact Sciences
Classification: Uncertain significance for ARMC5-related condition. Last evaluated: 2024-03-11. Review status: no assertion criteria provided. Collection method: clinical testing. Allele origin: germline.
Comment: The ARMC5 c.683T>C variant is predicted to result in the amino acid substitution p.Leu228Pro. To our knowledge, this variant has not been reported in the literature. This variant is reported in 0.00091% of alleles in individuals of European (Non-Finnish) descent in gnomAD. At this time, the clinical significance of this variant is uncertain due to the absence of conclusive functional and genetic evidence.